The following is an entry in ClinVar:

ClinVar aggregate classification (germline): Likely benign. Review status: criteria provided, multiple submitters, no conflicts (2 of 4 stars). 2 submissions from 2 submitters: Likely benign (2). Last evaluated 2025-11-07.

Conditions:
PIEZO1-related disorder. Also called: PIEZO1-related condition; PIEZO1-Related Disorders.

Allele frequency attached by ClinVar (database versions not stated): gnomAD exomes 0.00004 and 0.00023; TOPMed 0.00008; gnomAD 0.00010 and 0.00011; ExAC 0.00011; 1000 Genomes Project 0.00060; 1000 Genomes Project 30x 0.00062.
gnomAD v4.1: 75 of 1,550,254 alleles (0.0048%); highest among the groups gnomAD compares: East Asian, 0.15%; no homozygotes.

Submissions (2):

PreventionGenetics, part of Exact Sciences
Classification: Likely benign for PIEZO1-related condition. Last evaluated: 2025-11-07. Review status: criteria provided, single submitter. Criteria: ACMG Guidelines, 2015. Collection method: clinical testing. Allele origin: germline.
Comment: This variant is classified as likely benign based on ACMG/AMP sequence variant interpretation guidelines (Richards et al. 2015 PMID: 25741868, with internal and published modifications).

Labcorp Genetics (formerly Invitae), Labcorp
Classification: Likely benign. Last evaluated: 2025-11-03. Review status: criteria provided, single submitter. Criteria: Invitae Variant Classification Sherloc (09022015). Collection method: clinical testing. Allele origin: germline.

NM_001142864.4(PIEZO1):c.6164+3G>A

Gene: PIEZO1 (piezo type mechanosensitive ion channel component 1 (Er blood group); minus strand). Cytogenetic location: 16q24.3.
Variant type: single nucleotide variant.
Coding change: c.6164+3G>A on transcript NM_001142864.4 (MANE Select); 3 bases into the intron after coding-DNA position 6164, G replaced by A.
Molecular consequence: intron variant.
Genome position (GRCh38, 1-based): chr16:88,720,066, C>T on the plus strand (G>A on the coding strand, the complement: PIEZO1 is on the minus strand). VCF-style: chr16-88720066-C-T. GRCh37 (hg19) VCF-style: chr16-88786474-C-T.
Identifiers: ClinVar variation 747594 (VCV000747594.9), dbSNP rs375454674, ClinGen allele CA8231706.